The following is an entry in ClinVar:

ClinVar aggregate classification (germline): Uncertain significance (1 of 4 stars; one submission).

Submission:

Labcorp Genetics (formerly Invitae), Labcorp
Classification: Uncertain significance. Last evaluated: 2025-03-01. Review status: criteria provided, single submitter. Criteria: Invitae Variant Classification Sherloc (09022015). Collection method: clinical testing. Allele origin: germline.
Comment: This sequence change disrupts the translational stop signal of the RIPPLY2 mRNA. It is expected to extend the length of the RIPPLY2 protein by 3 additional amino acid residues. This variant is not present in population databases (gnomAD no frequency). This variant has not been reported in the literature in individuals affected with RIPPLY2-related conditions. In summary, the available evidence is currently insufficient to determine the role of this variant in disease. Therefore, it has been classified as a Variant of Uncertain Significance.

NM_001009994.3(RIPPLY2):c.385T>C (p.Ter129Gln)

Genes: RIPPLY2 (ripply transcriptional repressor 2; plus strand), RIPPLY2-CYB5R4 (RIPPLY2-CYB5R4 readthrough; plus strand). Cytogenetic location: 6q14.2.
Variant type: single nucleotide variant.
Coding change: c.385T>C on transcript NM_001009994.3 (MANE Select); coding-DNA position 385, T replaced by C.
Protein change: p.Ter129Gln.
Molecular consequence: stop lost. On other transcripts: 3 prime UTR variant (1), non-coding transcript variant (2), intron variant (1).
Genome position (GRCh38, 1-based): chr6:83,857,387, T>C. VCF-style: chr6-83857387-T-C. GRCh37 (hg19) VCF-style: chr6-84567106-T-C.
Other names: c.448T>C, p.Ter150Gln (NM_001400899.1); c.*3222T>C (NM_001400900.1); c.-28+3226T>C (NM_001400774.1).
Identifiers: ClinVar variation 3628290 (VCV003628290.2).